The following is an entry in ClinVar:

ClinVar aggregate classification (germline): Uncertain significance. Review status: criteria provided, multiple submitters, no conflicts (2 of 4 stars). 12 submissions from 12 submitters: Uncertain significance (10). 2 of the submissions do not count toward it. Last evaluated 2026-03-27.

Conditions:
Acute lymphoid leukemia (ALL). Also called: Acute lymphoblastic leukemia; Acute lymphocytic leukemia; Leukemia, acute lymphoblastic, somatic; Lymphoblastic leukemia. Identifiers: Orphanet 513, MedGen C0023449, MONDO:0004967, OMIM 613065, HP:0006721.
Microcephaly, normal intelligence and immunodeficiency (NBS). Also called: SEEMANOVA SYNDROME II; BERLIN BREAKAGE SYNDROME; IMMUNODEFICIENCY, MICROCEPHALY, AND CHROMOSOMAL INSTABILITY; Nijmegen breakage syndrome; Microcephaly with normal intelligence immunodeficiency and lymphoreticular malignancies; Nonsyndromal microcephaly autosomal recessive with normal intelligence. Identifiers: Orphanet 647, MedGen C0398791, MONDO:0009623, OMIM 251260.
Aplastic anemia. Identifiers: Orphanet 182040, Orphanet 88, MedGen C0002874, MONDO:0015909, OMIM 609135, HP:0001915.
Hereditary cancer-predisposing syndrome. Also called: Neoplastic Syndromes, Hereditary; Hereditary Cancer Syndrome; Tumor predisposition; Hereditary neoplastic syndrome. Identifiers: Orphanet 140162, MedGen C0027672, MeSH D009386, MONDO:0015356.

Allele frequency attached by ClinVar (database versions not stated): gnomAD exomes 0.00001; gnomAD 0.00001; ExAC 0.00002; TOPMed 0.00002.
gnomAD v4.1: 21 of 1,613,728 alleles (0.0013%); highest among the groups gnomAD compares: Non-Finnish European, 0.0018%; no homozygotes.

Submissions (12):

Dasa
Classification: Uncertain significance. Last evaluated: 2026-03-27. Review status: criteria provided, single submitter. Criteria: DASA Assertion Criteria. Collection method: clinical testing. Allele origin: germline.
Comment: NM_002485.5(NBN):c.119C>T (p.Ser40Leu) is a missense variant that results in the substitution of serine with leucine. This variant is rare in population databases. Computational prediction algorithms are consistent with a deleterious effect. The currently available literature and clinical evidence are not sufficient to establish a definitive association between this variant and the reported condition. Therefore, this variant is classified as a variant of uncertain significance.

Labcorp Genetics (formerly Invitae), Labcorp
Classification: Uncertain significance for Microcephaly, normal intelligence and immunodeficiency. Last evaluated: 2024-12-03. Review status: criteria provided, single submitter. Criteria: Invitae Variant Classification Sherloc (09022015). Collection method: clinical testing. Allele origin: germline.
Comment: This sequence change replaces serine, which is neutral and polar, with leucine, which is neutral and non-polar, at codon 40 of the NBN protein (p.Ser40Leu). This variant is present in population databases (rs587781530, gnomAD 0.003%). This missense change has been observed in individual(s) with a personal and/or family history of breast cancer, ovarian cancer, and/or bladder cancer (PMID: 30613976, 31159747, 35534704, 36346689). ClinVar contains an entry for this variant (Variation ID: 141146). An algorithm developed to predict the effect of missense changes on protein structure and function (PolyPhen-2) suggests that this variant is likely to be disruptive. In summary, the available evidence is currently insufficient to determine the role of this variant in disease. Therefore, it has been classified as a Variant of Uncertain Significance.

Baylor Genetics
Classification: Uncertain significance for Aplastic anemia. Last evaluated: 2022-05-15. Review status: criteria provided, single submitter. Criteria: ACMG Guidelines, 2015. Collection method: clinical testing. Allele origin: unknown.

Ambry Genetics
Classification: Uncertain significance for Hereditary cancer-predisposing syndrome. Last evaluated: 2022-01-24. Review status: criteria provided, single submitter. Criteria: Ambry Variant Classification Scheme 2023. Collection method: clinical testing. Allele origin: germline.
Comment: The p.S40L variant (also known as c.119C>T), located in coding exon 2 of the NBN gene, results from a C to T substitution at nucleotide position 119. The serine at codon 40 is replaced by leucine, an amino acid with dissimilar properties. This alteration has been reported as variant of uncertain significance in 1/1197 individuals from Greece, Romania, and Turkey undergoing evaluation for inherited cancer predisposition (Tsaousis GN et al. BMC Cancer, 2019 Jun;19:535). This alteration was also identified in individuals diagnosed with breast cancer (Hauke J et al. Cancer Med, 2018 04;7:1349-1358; Rizzolo P et al. Int J Cancer, 2019 07;145:390-400). This amino acid position is highly conserved in available vertebrate species. In addition, this alteration is predicted to be deleterious by in silico analysis. Since supporting evidence is limited at this time, the clinical significance of this alteration remains unclear.

Genome-Nilou Lab
Classification: Uncertain significance for Microcephaly, normal intelligence and immunodeficiency. Last evaluated: 2021-11-07. Review status: criteria provided, single submitter. Criteria: ACMG Guidelines, 2015. Collection method: clinical testing. Allele origin: germline. Affected: no.

GeneDx
Classification: Uncertain significance. Last evaluated: 2019-07-24. Review status: criteria provided, single submitter. Criteria: GeneDx Variant Classification Process June 2021. Collection method: clinical testing. Allele origin: germline. Affected: yes.
Comment: Not observed at a significant frequency in large population cohorts (Lek et al., 2016); In silico analysis, which includes protein predictors and evolutionary conservation, supports a deleterious effect; This variant is associated with the following publications: (PMID: 31159747)

Fulgent Genetics
Classification: Uncertain significance for Microcephaly, normal intelligence and immunodeficiency; Aplastic anemia; Acute lymphoid leukemia. Last evaluated: 2018-10-31. Review status: criteria provided, single submitter. Criteria: ACMG Guidelines, 2015. Collection method: clinical testing. Allele origin: unknown.

GeneKor MSA
Classification: Uncertain significance for Hereditary cancer-predisposing syndrome. Last evaluated: 2018-08-01. Review status: criteria provided, single submitter. Criteria: ACMG Guidelines, 2015. Collection method: clinical testing. Allele origin: germline.

Mendelics
Classification: Uncertain significance for Microcephaly, normal intelligence and immunodeficiency. Last evaluated: 2018-07-02. Review status: criteria provided, single submitter. Criteria: Mendelics Assertion Criteria 2017. Collection method: clinical testing. Allele origin: unknown.

Women's Health and Genetics/Laboratory Corporation of America, LabCorp
Classification: Uncertain significance. Last evaluated: 2016-01-25. Review status: criteria provided, single submitter. Criteria: LabCorp Variant Classification Summary - May 2015. Collection method: clinical testing. Allele origin: germline.

Natera, Inc.
Classification: Uncertain significance for Nijmegen breakage syndrome. Last evaluated: 2020-09-16. Review status: no assertion criteria provided. Collection method: clinical testing. Allele origin: germline. Not counted in ClinVar's aggregate classification.

Counsyl
Classification: Uncertain significance for Microcephaly, normal intelligence and immunodeficiency. Last evaluated: 2016-12-27. Review status: no assertion criteria provided. Collection method: clinical testing. Allele origin: unknown. Not counted in ClinVar's aggregate classification.

Literature cited by the submitters: PubMed 30613976 (cited by Labcorp Genetics (formerly Invitae), Labcorp and Ambry Genetics); PubMed 31159747 (cited by Labcorp Genetics (formerly Invitae), Labcorp and Ambry Genetics); PubMed 35534704 (cited by Labcorp Genetics (formerly Invitae), Labcorp); PubMed 36346689 (cited by Labcorp Genetics (formerly Invitae), Labcorp); PubMed 29522266 (cited by Ambry Genetics).

NM_002485.5(NBN):c.119C>T (p.Ser40Leu)

Gene: NBN (nibrin; minus strand). Cytogenetic location: 8q21.3.
Variant type: single nucleotide variant.
Coding change: c.119C>T on transcript NM_002485.5 (MANE Select); coding-DNA position 119, C replaced by T.
Protein change: p.Ser40Leu; replaces serine 40 with leucine.
Molecular consequence: missense variant. On other transcripts: 5 prime UTR variant (1).
Genome position (GRCh38, 1-based): chr8:89,982,774, G>A on the plus strand (C>T on the coding strand, the complement: NBN is on the minus strand). VCF-style: chr8-89982774-G-A. GRCh37 (hg19) VCF-style: chr8-90995002-G-A.
Other names: c.-178C>T (NM_001024688.3); short protein forms S40L.
Identifiers: ClinVar variation 141146 (VCV000141146.27), dbSNP rs587781530, ClinGen allele CA164600.